The following is an entry in ClinVar:

NM_004655.4(AXIN2):c.479del (p.Gly160fs)

Gene: AXIN2 (axin 2; minus strand). Cytogenetic location: 17q24.1.
Variant type: Deletion.
Coding change: c.479del on transcript NM_004655.4 (MANE Select); coding-DNA position 479, one base deleted (G; older notation c.479delG).
Protein change: p.Gly160fs; shifts the reading frame from glycine 160.
Molecular consequence: frameshift variant.
Genome position (GRCh38, 1-based): chr17:65,558,142, C deleted on the plus strand (G on the coding strand, the reverse complement: AXIN2 is on the minus strand); the first of 2 consecutive C bases (chr17:65,558,142-65,558,143); deleting either gives the same sequence. VCF-style (leftmost placement, unchanged base first): chr17-65558141-GC-G. GRCh37 (hg19) VCF-style: chr17-63554259-GC-G.
Other names: c.479delG (NM_004655.3); c.479del, p.Gly160fs (NM_001363813.1); short protein forms G160fs.
Identifiers: ClinVar variation 1743160 (VCV001743160.4), dbSNP rs2544250350, ClinGen allele CA2580095109.

ClinVar aggregate classification (germline): Pathogenic. Review status: criteria provided, multiple submitters, no conflicts (2 of 4 stars). 2 submissions from 2 submitters: Pathogenic (2). Last evaluated 2026-07-13.

Conditions:
Hereditary cancer-predisposing syndrome. Also called: Hereditary neoplastic syndrome; Neoplastic Syndromes, Hereditary; Tumor predisposition; Hereditary Cancer Syndrome. Identifiers: Orphanet 140162, MedGen C0027672, MeSH D009386, MONDO:0015356.
Oligodontia-cancer predisposition syndrome. Also called: TOOTH AGENESIS-COLORECTAL CANCER SYNDROME. Identifiers: Orphanet 300576, MedGen C1837750, MONDO:0012075, OMIM 608615. Disease mechanism: loss of function.

Submissions (2):

Myriad Genetics, Inc.
Classification: Pathogenic for Oligodontia-cancer predisposition syndrome. Last evaluated: 2026-07-13. Review status: criteria provided, single submitter. Criteria: Myriad Autosomal Dominant, Autosomal Recessive and X-Linked Classification Criteria (2023). Collection method: clinical testing. Allele origin: unknown.
Comment: This variant is considered pathogenic. This variant creates a frameshift predicted to result in premature protein truncation.

Ambry Genetics
Classification: Pathogenic for Hereditary cancer-predisposing syndrome. Last evaluated: 2025-09-17. Review status: criteria provided, single submitter. Criteria: Ambry Variant Classification Scheme 2023. Collection method: clinical testing. Allele origin: germline.
Comment: The c.479delG pathogenic mutation, located in coding exon 1 of the AXIN2 gene, results from a deletion of one nucleotide at nucleotide position 479, causing a translational frameshift with a predicted alternate stop codon (p.G160Afs*22). This variant is considered to be rare based on population cohorts in the Genome Aggregation Database (gnomAD). This alteration is expected to result in loss of function by premature protein truncation or nonsense-mediated mRNA decay. As such, this alteration is interpreted as a disease-causing mutation.